The following is an entry in ClinVar:

ClinVar aggregate classification (germline): Conflicting classifications of pathogenicity. Review status: criteria provided, conflicting classifications (1 of 4 stars). 6 submissions from 5 submitters: Uncertain significance (2); Benign (2). 2 of the submissions do not count toward it. Last evaluated 2023-01-11.

Conditions:
Hypercholanemia, familial, 2. Also called: NTCP deficiency. Identifiers: MedGen C5543243, MONDO:0031003, OMIM 619256. Disease mechanism: loss of function.
Hepatitis B virus, resistance to. Also called: Resistance to HBV. Identifiers: MedGen C3552303.

Allele frequency attached by ClinVar (database versions not stated): ExAC 0.00572; gnomAD exomes 0.00629 and 0.00125; 1000 Genomes Project 30x 0.01280; 1000 Genomes Project 0.01438; ESP Exome Variant Server 0.00054; gnomAD 0.00251 and 0.00295; TOPMed 0.00363.

Submissions (6):

Department of Pathology and Laboratory Medicine, Sinai Health System
Classification: Uncertain significance for Hypercholanemia, familial, 2. Last evaluated: 2023-01-11. Review status: criteria provided, single submitter. Criteria: ACMG Guidelines, 2015. Collection method: research. Allele origin: germline.

Eurofins Ntd Llc (ga)
Classification: Benign. Last evaluated: 2017-04-18. Review status: criteria provided, single submitter. Criteria: EGL Classification Definitions 2015. Collection method: clinical testing. Allele origin: germline. Observed: 1 variant allele, 1 homozygote.

Breakthrough Genomics
Classification: Benign. Review status: criteria provided, single submitter. Criteria: ACMG Guidelines, 2015. Collection method: not provided. Allele origin: germline. Inheritance: Autosomal recessive inheritance. Affected: yes.

Juno Genomics, Hangzhou Juno Genomics, Inc
Classification: Uncertain significance for Hypercholanemia, familial, 2. Review status: criteria provided, single submitter. Criteria: ACMG Guidelines, 2015. Collection method: clinical testing. Allele origin: germline.
Comment: Allele frequency is greater than expected for disorder.;For recessive disorders, detected in trans with a pathogenic variant.;Patient's phenotype or family history is highly specific for a disease with a single genetic etiology.;Well-established in vitro or in vivo functional studies supportive of a damaging effect on the gene or gene product.

OMIM
Classification: Pathogenic for HYPERCHOLANEMIA, FAMILIAL, 2. Last evaluated: 2024-12-04. Review status: no assertion criteria provided. Collection method: literature only. Allele origin: germline. Not counted in ClinVar's aggregate classification.

OMIM
Classification: protective for HEPATITIS B VIRUS, RESISTANCE TO. Last evaluated: 2024-12-04. Review status: no assertion criteria provided. Collection method: literature only. Allele origin: germline. Not counted in ClinVar's aggregate classification.

Literature cited by the submitters: PubMed 27882152 (cited by OMIM); PubMed 29290974 (cited by OMIM); PubMed 28835676 (cited by OMIM); PubMed 29658451 (cited by OMIM); PubMed 25418280 (cited by OMIM); PubMed 38749427 (cited by OMIM); PubMed 14660639 (cited by OMIM).

NM_003049.4(SLC10A1):c.800C>T (p.Ser267Phe)

Gene: SLC10A1 (solute carrier family 10 member 1; minus strand). Cytogenetic location: 14q24.1.
Variant type: single nucleotide variant.
Coding change: c.800C>T on transcript NM_003049.4 (MANE Select); coding-DNA position 800, C replaced by T.
Protein change: p.Ser267Phe; replaces serine 267 with phenylalanine.
Molecular consequence: missense variant.
Genome position (GRCh38, 1-based): chr14:69,778,476, G>A on the plus strand (C>T on the coding strand, the complement: SLC10A1 is on the minus strand). VCF-style: chr14-69778476-G-A. GRCh37 (hg19) VCF-style: chr14-70245193-G-A.
Other names: SLC10A1, SER267PHE (rs2296651); short protein forms S267F.
Identifiers: ClinVar variation 501461 (VCV000501461.11), dbSNP rs2296651, ClinGen allele CA7245963.